The following is an entry in ClinVar:

ClinVar aggregate classification (germline): Likely pathogenic (1 of 4 stars; one submission).

Conditions:
Leber congenital amaurosis (LCA). Also called: Leber's amaurosis. Identifiers: Orphanet 65, MedGen C0339527, MeSH D057130, MONDO:0018998.

Allele frequency attached by ClinVar (database versions not stated): gnomAD exomes below 0.00001; TOPMed below 0.00001; gnomAD 0.00001.
gnomAD v4.1: 2 of 1,605,476 alleles (0.00012%); highest among the groups gnomAD compares: Non-Finnish European, 0.00017%; no homozygotes.

Submission:

Women's Health and Genetics/Laboratory Corporation of America, LabCorp
Classification: Likely pathogenic for Leber congenital amaurosis. Last evaluated: 2023-02-27. Review status: criteria provided, single submitter. Criteria: LabCorp Variant Classification Summary - May 2015. Collection method: clinical testing. Allele origin: germline.
Comment: Variant summary: SPATA7 c.136C>T (p.Gln46X) results in a premature termination codon, predicted to cause a truncation of the encoded protein or absence of the protein due to nonsense mediated decay, which are commonly known mechanisms for disease. At least one truncation downstream of this position has been classified as pathogenic by our laboratory. The variant was absent in 240772 control chromosomes (gnomAD). To our knowledge, no occurrence of c.136C>T in individuals affected with Leber Congenital Amaurosis and no experimental evidence demonstrating its impact on protein function have been reported. No clinical diagnostic laboratories have submitted clinical-significance assessments for this variant to ClinVar after 2014. Based on the evidence outlined above, the variant was classified as likely pathogenic.

NM_018418.5(SPATA7):c.136C>T (p.Gln46Ter)

Gene: SPATA7 (spermatogenesis associated 7; plus strand). Cytogenetic location: 14q31.3.
Variant type: single nucleotide variant.
Coding change: c.136C>T on transcript NM_018418.5 (MANE Select); coding-DNA position 136, C replaced by T.
Protein change: p.Gln46Ter; replaces glutamine 46 with a stop codon.
Molecular consequence: nonsense. On other transcripts: intron variant (1).
Genome position (GRCh38, 1-based): chr14:88,393,434, C>T. VCF-style: chr14-88393434-C-T. GRCh37 (hg19) VCF-style: chr14-88859778-C-T.
Other names: c.94+1979C>T (NM_001040428.4); c.136C>T (NM_018418.4); short protein forms Q46*.
Identifiers: ClinVar variation 2445691 (VCV002445691.1), dbSNP rs1472791220, ClinGen allele CA390546449.